The following is an entry in ClinVar:

NM_000169.3(GLA):c.320A>G (p.Gln107Arg)

Genes: GLA (galactosidase alpha; minus strand), RPL36A-HNRNPH2 (RPL36A-HNRNPH2 readthrough; plus strand). Cytogenetic location: Xq22.1.
Variant type: single nucleotide variant.
Coding change: c.320A>G on transcript NM_000169.3 (MANE Select); coding-DNA position 320, A replaced by G.
Protein change: p.Gln107Arg; replaces glutamine 107 with arginine.
Molecular consequence: missense variant. On other transcripts: non-coding transcript variant (3), intron variant (2).
Genome position (GRCh38, 1-based): chrX:101,403,860, T>C on the plus strand (A>G on the coding strand, the complement: GLA is on the minus strand). VCF-style: chrX-101403860-T-C. GRCh37 (hg19) VCF-style: chrX-100658848-T-C.
Other names: c.320A>G, p.Gln107Arg (NM_001406748.1); c.443A>G, p.Gln148Arg (NM_001406749.1, NM_001406747.1); c.301-8076T>C (NM_001199973.2); c.178-8076T>C (NM_001199974.2); short protein forms Q107R, Q148R.
Identifiers: ClinVar variation 179696 (VCV000179696.19), dbSNP rs727505060, ClinGen allele CA021634.

ClinVar aggregate classification (germline): Conflicting classifications of pathogenicity. Review status: criteria provided, conflicting classifications (1 of 4 stars). 8 submissions from 8 submitters: Uncertain significance (7); Likely benign (1). Last evaluated 2026-09-08.

Conditions:
GLA-related disorder. Also called: GLA-related condition.
Fabry disease. Also called: Angiokeratoma corporis diffusum; Fabry's disease; ALPHA-GALACTOSIDASE A DEFICIENCY; ANDERSON-FABRY DISEASE; CERAMIDE TRIHEXOSIDASE DEFICIENCY; GLA DEFICIENCY. Identifiers: Orphanet 324, MedGen C0002986, MONDO:0010526, OMIM 301500, HP:0001071. Disease mechanism: Fabry disease is due to inactivating mutations in the X-linked GLA gene resulting in deficiency of the enzyme Alpha Galactosidase-A., loss of function.

Allele frequency attached by ClinVar (database versions not stated): gnomAD 0.00002; TOPMed 0.00002; gnomAD exomes 0.00003.
gnomAD v4.1: 31 of 1,210,398 alleles (0.0026%); highest among the groups gnomAD compares: Non-Finnish European, 0.0034%; no homozygotes.

Submissions (8):

Genomenon, Inc
Classification: Uncertain significance for Fabry disease. Last evaluated: 2026-09-08. Review status: criteria provided, single submitter. Criteria: Genomenon Sequence Variant Interpretation Standards - Updated. Collection method: curation. Allele origin: germline. Affected: no.
Comment: GLA p.Gln107Arg (c.320A>G) is a missense variant that changes the amino acid at codon 107 from Glutamine to Arginine. This variant has been reported in the published literature (PMID:39904758). It is absent or not present at a significant frequency in gnomAD. In conclusion, we classify GLA p.Gln107Arg (c.320A>G) as a variant of uncertain significance.

Women's Health and Genetics/Laboratory Corporation of America, LabCorp
Classification: Uncertain significance. Last evaluated: 2026-06-02. Review status: criteria provided, single submitter. Criteria: LabCorp Variant Classification Summary - May 2015. Collection method: clinical testing. Allele origin: germline.
Comment: Variant summary: GLA c.320A>G (p.Gln107Arg) results in a conservative amino acid change in the encoded protein sequence. Algorithms developed to predict the effect of missense changes on protein structure and function are either unavailable or do not agree on the potential impact of this missense change. The variant was absent in 183486 control chromosomes. The available data on variant occurrences in the general population are insufficient to allow any conclusion about variant significance. c.320A>G has been observed in at least 2 individual(s) affected with clinical features of GLA-related conditions, however it has also been observed in multiple individuals with insufficient phenotypes and/or from the general population (example, Giammanco_2025, Battaglia_2025, Biddeci_2025). Since the penetrance of Fabry Disease due to this variant appears to be lower than expected, no conclusions can be drawn from these data. To our knowledge, no experimental evidence demonstrating an impact on protein function has been reported. The following publications have been ascertained in the context of this evaluation (PMID: 41111061, 39904758, 39937021). ClinVar contains an entry for this variant (Variation ID: 179696). Based on the evidence outlined above, the variant was classified as uncertain significance.

Color Diagnostics, LLC DBA Color Health
Classification: Uncertain significance for Fabry disease. Last evaluated: 2025-12-08. Review status: criteria provided, single submitter. Criteria: ACMG Guidelines, 2015. Collection method: clinical testing. Allele origin: germline.
Comment: This missense variant replaces glutamine with arginine at codon 107 of the GLA protein. Computational prediction is inconclusive regarding the impact of this variant on protein structure and function. To our knowledge, functional studies have not been reported for this variant. This variant has not been reported in individuals affected with GLA-related disorders in the literature. This variant has not been identified in the general population by the Genome Aggregation Database (gnomAD). The available evidence is insufficient to determine the role of this variant in disease conclusively. Therefore, this variant is classified as a Variant of Uncertain Significance.

PreventionGenetics, part of Exact Sciences
Classification: Uncertain significance for GLA-related condition. Last evaluated: 2025-04-21. Review status: criteria provided, single submitter. Criteria: ACMG Guidelines, 2015. Collection method: clinical testing. Allele origin: germline.
Comment: The GLA c.320A>G variant is predicted to result in the amino acid substitution p.Gln107Arg. This variant was not reported in gnomAD v2. However, in gnomAD v4 (available only on GRCh38), this variant is reported in 0.0034% of alleles in individuals of European (Non-Finnish) descent, including 11 hemizygotes. This population data is not consistent with this variant being a primary cause of disease. Although we suspect that this variant may be benign, at this time, the clinical significance of this variant is uncertain due to the absence of conclusive functional and genetic evidence.

Labcorp Genetics (formerly Invitae), Labcorp
Classification: Uncertain significance for Fabry disease. Last evaluated: 2022-09-14. Review status: criteria provided, single submitter. Criteria: Invitae Variant Classification Sherloc (09022015). Collection method: clinical testing. Allele origin: germline.
Comment: This sequence change replaces glutamine, which is neutral and polar, with arginine, which is basic and polar, at codon 107 of the GLA protein (p.Gln107Arg). This variant is not present in population databases (gnomAD no frequency). This variant has not been reported in the literature in individuals affected with GLA-related conditions. ClinVar contains an entry for this variant (Variation ID: 179696). Advanced modeling of protein sequence and biophysical properties (such as structural, functional, and spatial information, amino acid conservation, physicochemical variation, residue mobility, and thermodynamic stability) performed at Invitae indicates that this missense variant is not expected to disrupt GLA protein function. In summary, the available evidence is currently insufficient to determine the role of this variant in disease. Therefore, it has been classified as a Variant of Uncertain Significance.

Genome-Nilou Lab
Classification: Uncertain significance for Fabry disease. Last evaluated: 2021-07-15. Review status: criteria provided, single submitter. Criteria: ACMG Guidelines, 2015. Collection method: clinical testing. Allele origin: germline. Affected: no.

GeneDx
Classification: Uncertain significance. Last evaluated: 2020-01-30. Review status: criteria provided, single submitter. Criteria: GeneDx Variant Classification Process June 2021. Collection method: clinical testing. Allele origin: germline. Affected: yes.
Comment: Has not been previously published as pathogenic or benign to our knowledge; Reported in ClinVar as likely benign (ClinVar Variant ID#179696; Landrum et al., 2016); Not observed in large population cohorts (Lek et al., 2016); In silico analysis supports that this missense variant does not alter protein structure/function

Laboratory for Molecular Medicine, Mass General Brigham Personalized Medicine
Classification: Likely benign. Last evaluated: 2014-04-04. Review status: criteria provided, single submitter. Criteria: LMM Criteria. Collection method: clinical testing. Allele origin: germline. Observed: 1 variant allele.
Comment: p.Gln107Arg in exon 2 of GLA: This variant is not expected to have clinical sign ificance due to a lack of conservation across species, including mammals. Of not e, shrew, armadillo, platypus, and three bird species have an arginine (Arg) at this position despite high nearby amino acid conservation.

Literature cited by the submitters: PubMed 39904758 (cited by Genomenon, Inc and Women's Health and Genetics/Laboratory Corporation of America, LabCorp); PubMed 39937021 (cited by Women's Health and Genetics/Laboratory Corporation of America, LabCorp); PubMed 41111061 (cited by Women's Health and Genetics/Laboratory Corporation of America, LabCorp).